The following is an entry in ClinVar:

ClinVar aggregate classification (germline): Uncertain significance (1 of 4 stars; one submission).

gnomAD v4.1: 1 of 1,614,106 alleles (0.000062%); highest among the groups gnomAD compares: Non-Finnish European, 0.000085%; no homozygotes.

Submission:

GeneDx
Classification: Uncertain significance. Last evaluated: 2026-03-19. Review status: criteria provided, single submitter. Criteria: GeneDx Variant Classification Process June 2021. Collection method: clinical testing. Allele origin: germline.
Comment: Not observed at significant frequency in large population cohorts (gnomAD); In silico analysis supports that this missense variant has a deleterious effect on protein structure/function; Has not been previously published as pathogenic or benign to our knowledge

NM_002336.3(LRP6):c.4688A>G (p.Asp1563Gly)

Gene: LRP6 (LDL receptor related protein 6; minus strand). Cytogenetic location: 12p13.2.
Variant type: single nucleotide variant.
Coding change: c.4688A>G on transcript NM_002336.3 (MANE Select); coding-DNA position 4688, A replaced by G.
Protein change: p.Asp1563Gly; replaces aspartic acid 1563 with glycine.
Molecular consequence: missense variant. On other transcripts: 3 prime UTR variant (1), non-coding transcript variant (1).
Genome position (GRCh38, 1-based): chr12:12,121,280, T>C on the plus strand (A>G on the coding strand, the complement: LRP6 is on the minus strand). VCF-style: chr12-12121280-T-C. GRCh37 (hg19) VCF-style: chr12-12274214-T-C.
Other names: c.4781A>G, p.Asp1594Gly (NM_001414244.1); c.4688A>G, p.Asp1563Gly (NM_001414245.1); c.4553A>G, p.Asp1518Gly (NM_001414246.1); c.4490A>G, p.Asp1497Gly (NM_001414247.1); c.*164A>G (NM_001414248.1); c.4325A>G, p.Asp1442Gly (NM_001414251.1); c.4235A>G, p.Asp1412Gly (NM_001414252.1, NM_001414253.1, NM_001414254.1); c.4181A>G, p.Asp1394Gly (NM_001414255.1); short protein forms D1518G, D1594G, D1394G, D1442G, D1497G, D1563G, D1412G.
Identifiers: ClinVar variation 5009473 (VCV005009473.1).